The following is an entry in ClinVar:

NM_002907.4(RECQL):c.214+4_214+15del

Gene: RECQL (RecQ like helicase; minus strand). Cytogenetic location: 12p12.1.
Variant type: Deletion.
Coding change: c.214+4_214+15del on transcript NM_002907.4 (MANE Select); bases 4 to 15 of the intron after coding-DNA position 214, 12 bases deleted (AACTTTTTTTTT).
Molecular consequence: splice donor variant.
Genome position (GRCh38, 1-based): chr12:21,491,504-21,491,515, AAAAAAAAAGTT deleted on the plus strand (AACTTTTTTTTT on the coding strand, the reverse complement: RECQL is on the minus strand); deleting any 12 consecutive bases within chr12:21,491,504-21,491,517 gives the same sequence; the c. name uses the placement nearest the transcript's 3' end. VCF-style (leftmost placement, unchanged base first): chr12-21491503-AAAAAAAAAAGTT-A. GRCh37 (hg19) VCF-style: chr12-21644437-AAAAAAAAAAGTT-A.
Other names: c.214+4_214+15del (NM_032941.3).
Identifiers: ClinVar variation 4755012 (VCV004755012.1).

ClinVar aggregate classification (germline): Uncertain significance (1 of 4 stars; one submission).

Submission:

Labcorp Genetics (formerly Invitae), Labcorp
Classification: Uncertain significance. Last evaluated: 2025-12-11. Review status: criteria provided, single submitter. Criteria: Invitae Variant Classification Sherloc (09022015). Collection method: clinical testing. Allele origin: germline.
Comment: This sequence change falls in intron 3 of the RECQL gene. It does not directly change the encoded amino acid sequence of the RECQL protein. It affects a nucleotide within the consensus splice site. This variant is not present in population databases (gnomAD no frequency). This variant has not been reported in the literature in individuals affected with RECQL-related conditions. Variants that disrupt the consensus splice site are a relatively common cause of aberrant splicing (PMID: 17576681, 9536098). Algorithms developed to predict the effect of sequence changes on RNA splicing suggest that this variant may disrupt the consensus splice site. In summary, the available evidence is currently insufficient to determine the role of this variant in disease. Therefore, it has been classified as a Variant of Uncertain Significance.

Literature cited by the submitters: PubMed 17576681; PubMed 9536098.